The following is an entry in ClinVar:

NM_001855.5(COL15A1):c.171T>C (p.Phe57=)

Gene: COL15A1 (collagen type XV alpha 1 chain; plus strand). Cytogenetic location: 9q22.33.
Variant type: single nucleotide variant.
Coding change: c.171T>C on transcript NM_001855.5 (MANE Select); coding-DNA position 171, T replaced by C.
Protein change: p.Phe57=; no amino-acid change (phenylalanine 57 retained).
Molecular consequence: synonymous variant.
Genome position (GRCh38, 1-based): chr9:98,985,635, T>C. VCF-style: chr9-98985635-T-C. GRCh37 (hg19) VCF-style: chr9-101747917-T-C.
Identifiers: ClinVar variation 3049507 (VCV003049507.2), dbSNP rs994542363, ClinGen allele CA196855521.

ClinVar aggregate classification (germline): Likely benign (0 of 4 stars; one submission).

Conditions:
COL15A1-related disorder. Also called: COL15A1-related condition.

Allele frequency attached by ClinVar (database versions not stated): gnomAD 0.00001; gnomAD exomes 0.00001; TOPMed 0.00001.
gnomAD v4.1: 6 of 1,614,164 alleles (0.00037%); highest among the groups gnomAD compares: African/African-American, 0.0013%; no homozygotes.

Submission:

PreventionGenetics, part of Exact Sciences
Classification: Likely benign for COL15A1-related condition. Last evaluated: 2019-07-11. Review status: no assertion criteria provided. Collection method: clinical testing. Allele origin: germline.
Comment: This variant is classified as likely benign based on ACMG/AMP sequence variant interpretation guidelines (Richards et al. 2015 PMID: 25741868, with internal and published modifications).